The following is an entry in ClinVar:

ClinVar aggregate classification (germline): Uncertain significance (1 of 4 stars; one submission).

Allele frequency attached by ClinVar (database versions not stated): gnomAD exomes 0.00001.

Submission:

Labcorp Genetics (formerly Invitae), Labcorp
Classification: Uncertain significance. Last evaluated: 2022-05-25. Review status: criteria provided, single submitter. Criteria: Invitae Variant Classification Sherloc (09022015). Collection method: clinical testing. Allele origin: germline.
Comment: This sequence change replaces threonine, which is neutral and polar, with asparagine, which is neutral and polar, at codon 175 of the CLRN1 protein (p.Thr175Asn). This variant is not present in population databases (gnomAD no frequency). This variant has not been reported in the literature in individuals affected with CLRN1-related conditions. Algorithms developed to predict the effect of missense changes on protein structure and function are either unavailable or do not agree on the potential impact of this missense change (SIFT: "Deleterious"; PolyPhen-2: "Benign"; Align-GVGD: "Class C0"). In summary, the available evidence is currently insufficient to determine the role of this variant in disease. Therefore, it has been classified as a Variant of Uncertain Significance.

NM_174878.3(CLRN1):c.524C>A (p.Thr175Asn)

Gene: CLRN1 (clarin 1; minus strand). Cytogenetic location: 3q25.1.
Variant type: single nucleotide variant.
Coding change: c.524C>A on transcript NM_174878.3 (MANE Select); coding-DNA position 524, C replaced by A.
Protein change: p.Thr175Asn; replaces threonine 175 with asparagine.
Molecular consequence: missense variant. On other transcripts: 3 prime UTR variant (1), non-coding transcript variant (1).
Genome position (GRCh38, 1-based): chr3:150,928,111, G>T on the plus strand (C>A on the coding strand, the complement: CLRN1 is on the minus strand). VCF-style: chr3-150928111-G-T. GRCh37 (hg19) VCF-style: chr3-150645898-G-T.
Other names: c.563C>A, p.Thr188Asn (NM_001195794.1); c.*138C>A (NM_001256819.2); c.296C>A, p.Thr99Asn (NM_052995.2); short protein forms T175N, T188N, T99N.
Identifiers: ClinVar variation 1990657 (VCV001990657.1), dbSNP rs2472761726, ClinGen allele CA354953135.